The following is an entry in ClinVar:

ClinVar aggregate classification (germline): Uncertain significance. Review status: criteria provided, multiple submitters, no conflicts (2 of 4 stars). 4 submissions from 3 submitters: Uncertain significance (4). Last evaluated 2025-10-25.

Conditions:
MVK-related disorder. Also called: MVK-related disorders; MVK-related condition. Identifiers: MedGen CN239294.
Porokeratosis 3, disseminated superficial actinic type (POROK3). Also called: POROKERATOSIS 3, MULTIPLE TYPES; POROKERATOSIS 3, MIBELLI TYPE; POROKERATOSIS, DISSEMINATED SUPERFICIAL ACTINIC, 1. Identifiers: MedGen C1867981, MONDO:0008293, OMIM 175900.
Hyperimmunoglobulin D with periodic fever (HIDS). Also called: Hyperimmunoglobulinemia D; HYPERIMMUNOGLOBULINEMIA D AND PERIODIC FEVER SYNDROME; Hyperimmunoglobulinemia D with periodic fever. Identifiers: Orphanet 343, MedGen C0398691, MONDO:0009849, OMIM 260920.
Mevalonic aciduria (MEVA). Identifiers: Orphanet 29, MedGen C1959626, MONDO:0012481, OMIM 610377.

Allele frequency attached by ClinVar (database versions not stated): gnomAD 0.00001; TOPMed 0.00001.
gnomAD v4.1: 11 of 1,611,328 alleles (0.00068%); highest among the groups gnomAD compares: East Asian, 0.0045%; no homozygotes.

Submissions (4):

Labcorp Genetics (formerly Invitae), Labcorp
Classification: Uncertain significance for Mevalonic aciduria; Hyperimmunoglobulin D with periodic fever; Porokeratosis 3, disseminated superficial actinic type. Last evaluated: 2025-10-25. Review status: criteria provided, single submitter. Criteria: Invitae Variant Classification Sherloc (09022015). Collection method: clinical testing. Allele origin: germline.
Comment: This sequence change replaces arginine, which is basic and polar, with glutamine, which is neutral and polar, at codon 388 of the MVK protein (p.Arg388Gln). This variant is not present in population databases (gnomAD no frequency). This variant has not been reported in the literature in individuals affected with MVK-related conditions. ClinVar contains an entry for this variant (Variation ID: 307101). Invitae Evidence Modeling of protein sequence and biophysical properties (such as structural, functional, and spatial information, amino acid conservation, physicochemical variation, residue mobility, and thermodynamic stability) has been performed for this missense variant. However, the output from this modeling did not meet the statistical confidence thresholds required to predict the impact of this variant on MVK protein function. In summary, the available evidence is currently insufficient to determine the role of this variant in disease. Therefore, it has been classified as a Variant of Uncertain Significance.

PreventionGenetics, part of Exact Sciences
Classification: Uncertain significance for MVK-related condition. Last evaluated: 2022-12-29. Review status: criteria provided, single submitter. Criteria: ACMG Guidelines, 2015. Collection method: clinical testing. Allele origin: germline.
Comment: The MVK c.1163G>A variant is predicted to result in the amino acid substitution p.Arg388Gln. To our knowledge, this variant has not been reported in the literature or in a large population database, indicating this variant is rare and is interpreted with uncertain significance in ClinVar. Of note, this variant is present in the last exon of the MVK gene close to the stop codon. At this time, the clinical significance of this variant is uncertain due to the absence of conclusive functional and genetic evidence.

Illumina Laboratory Services, Illumina
Classification: Uncertain significance for Mevalonic aciduria. Last evaluated: 2018-01-12. Review status: criteria provided, single submitter. Criteria: ICSL Variant Classification Criteria 13 December 2019. Collection method: clinical testing. Allele origin: germline.

Illumina Laboratory Services, Illumina
Classification: Uncertain significance for Hyperimmunoglobulin D with periodic fever. Last evaluated: 2018-01-12. Review status: criteria provided, single submitter. Criteria: ICSL Variant Classification Criteria 13 December 2019. Collection method: clinical testing. Allele origin: germline.

NM_000431.4(MVK):c.1163G>A (p.Arg388Gln)

Gene: MVK (mevalonate kinase; plus strand). Cytogenetic location: 12q24.11.
Variant type: single nucleotide variant.
Coding change: c.1163G>A on transcript NM_000431.4 (MANE Select); coding-DNA position 1163, G replaced by A.
Protein change: p.Arg388Gln; replaces arginine 388 with glutamine.
Molecular consequence: missense variant.
Genome position (GRCh38, 1-based): chr12:109,596,549, G>A. VCF-style: chr12-109596549-G-A. GRCh37 (hg19) VCF-style: chr12-110034354-G-A.
Other names: c.1163G>A, p.Arg388Gln (NM_001114185.3); c.1007G>A, p.Arg336Gln (NM_001301182.2); c.1163G>A (LRG_156t1); short protein forms R388Q, R336Q.
Identifiers: ClinVar variation 307101 (VCV000307101.11), dbSNP rs886048934, ClinGen allele CA10640120.
Genomic context (GRCh38, chr12:109,596,549, plus strand): 5'-TGGAAACCAGCATCGGTGCCCCCGGCGTCTCCATCCACTCAGCCACCTCCCTGGACAGCC[G>A]AGTCCAGCAAGCCCTGGATGGCCTCTGAGAGGAGCCCACGACACTGCAGCCCCACCCAGA-3'
Protein context (NP_000422.1, residues 378-396): SIHSATSLDS[Arg388Gln]VQQALDGL